The following is an entry in ClinVar:

ClinVar aggregate classification (germline): Conflicting classifications of pathogenicity. Review status: criteria provided, conflicting classifications (1 of 4 stars). 5 submissions from 5 submitters: Uncertain significance (1); Likely benign (3). 1 of the submissions does not count toward it. Last evaluated 2026-01-20.

Conditions:
Glycine encephalopathy. Also called: Non-ketotic hyperglycinemia; Nonketotic hyperglycinemia. Identifiers: Orphanet 407, MedGen C0751748, MONDO:0011612, HP:0008288.

Allele frequency attached by ClinVar (database versions not stated): ESP Exome Variant Server 0.00015; 1000 Genomes Project 30x 0.00016; gnomAD 0.00017 and 0.00019; 1000 Genomes Project 0.00020; TOPMed 0.00022.
gnomAD v4.1: 129 of 1,613,894 alleles (0.008%); highest among the groups gnomAD compares: African/African-American, 0.035%; 1 homozygote.

Submissions (5):

Labcorp Genetics (formerly Invitae), Labcorp
Classification: Likely benign for Glycine encephalopathy. Last evaluated: 2026-01-20. Review status: criteria provided, single submitter. Criteria: Invitae Variant Classification Sherloc (09022015). Collection method: clinical testing. Allele origin: germline.

CeGaT Center for Human Genetics Tuebingen
Classification: Likely benign. Last evaluated: 2023-06-01. Review status: criteria provided, single submitter. Criteria: CeGaT Center For Human Genetics Tuebingen Variant Classification Criteria Version 2. Collection method: clinical testing. Allele origin: germline. Affected: yes. Observed: 1 variant allele.
Comment: GLDC: BP4, BP7

GeneDx
Classification: Likely benign. Last evaluated: 2020-07-28. Review status: criteria provided, single submitter. Criteria: GeneDx Variant Classification Process June 2021. Collection method: clinical testing. Allele origin: germline. Affected: yes.

Athena Diagnostics
Classification: Uncertain significance. Last evaluated: 2018-05-31. Review status: criteria provided, single submitter. Criteria: Athena Diagnostics Criteria. Collection method: clinical testing. Allele origin: germline.

Natera, Inc.
Classification: Likely benign for Non-ketotic hyperglycinemia. Last evaluated: 2020-04-13. Review status: no assertion criteria provided. Collection method: clinical testing. Allele origin: germline. Not counted in ClinVar's aggregate classification.

NM_000170.3(GLDC):c.2352C>T (p.Pro784=)

Gene: GLDC (glycine decarboxylase; minus strand). Cytogenetic location: 9p24.1.
Variant type: single nucleotide variant.
Coding change: c.2352C>T on transcript NM_000170.3 (MANE Select); coding-DNA position 2352, C replaced by T.
Protein change: p.Pro784=; no amino-acid change (proline 784 retained).
Molecular consequence: synonymous variant.
Genome position (GRCh38, 1-based): chr9:6,553,473, G>A on the plus strand (C>T on the coding strand, the complement: GLDC is on the minus strand). VCF-style: chr9-6553473-G-A. GRCh37 (hg19) VCF-style: chr9-6553473-G-A.
Identifiers: ClinVar variation 531788 (VCV000531788.41), dbSNP rs367781728, ClinGen allele CA4980253.